The following is an entry in ClinVar:

NM_004793.4(LONP1):c.638+13_638+29del

Gene: LONP1 (lon peptidase 1, mitochondrial; minus strand). Cytogenetic location: 19p13.3.
Variant type: Deletion.
Coding change: c.638+13_638+29del on transcript NM_004793.4 (MANE Select); bases 13 to 29 of the intron after coding-DNA position 638, 17 bases deleted (CGGGGGACAGTGGGAGG).
Molecular consequence: intron variant.
Genome position (GRCh38, 1-based): chr19:5,713,105-5,713,121, CCTCCCACTGTCCCCCG deleted on the plus strand (CGGGGGACAGTGGGAGG on the coding strand, the reverse complement: LONP1 is on the minus strand); deleting any 17 consecutive bases within chr19:5,713,105-5,713,123 gives the same sequence; the c. name uses the placement nearest the transcript's 3' end. VCF-style (leftmost placement, unchanged base first): chr19-5713104-ACCTCCCACTGTCCCCCG-A. GRCh37 (hg19) VCF-style: chr19-5713115-ACCTCCCACTGTCCCCCG-A.
Other names: c.638+13_638+29del17 (NM_004793.4); c.50+13_50+29del (NM_001276480.1); c.446+13_446+29del (NM_001276479.2).
Identifiers: ClinVar variation 2969635 (VCV002969635.5), dbSNP rs759387332, ClinGen allele CA9115049.

ClinVar aggregate classification (germline): Likely benign. Review status: criteria provided, multiple submitters, no conflicts (2 of 4 stars). 2 submissions from 2 submitters: Likely benign (2). Last evaluated 2024-03-20.

Submissions (2):

Women's Health and Genetics/Laboratory Corporation of America, LabCorp
Classification: Likely benign. Last evaluated: 2024-03-20. Review status: criteria provided, single submitter. Criteria: LabCorp Variant Classification Summary - May 2015. Collection method: clinical testing. Allele origin: germline.
Comment: Variant summary: LONP1 c.638+13_638+29del17 alters a non-conserved nucleotide located at a position not widely known to affect splicing. Consensus agreement among computation tools predict no significant impact on normal splicing. However, these predictions have yet to be confirmed by functional studies. The variant allele was found at a frequency of 3.2e-05 in 249208 control chromosomes. The available data on variant occurrences in the general population are insufficient to allow any conclusion about variant significance. To our knowledge, no occurrence of c.638+13_638+29del17 in individuals affected with CODAS Syndrome and no experimental evidence demonstrating its impact on protein function have been reported. ClinVar contains an entry for this variant (ID: 2969635). Based on the evidence outlined above, the variant was classified as likely benign.

Labcorp Genetics (formerly Invitae), Labcorp
Classification: Likely benign. Last evaluated: 2023-09-19. Review status: criteria provided, single submitter. Criteria: Invitae Variant Classification Sherloc (09022015). Collection method: clinical testing. Allele origin: germline.